The following is an entry in ClinVar:

NM_025144.4(ALPK1):c.266A>G (p.Gln89Arg)

Gene: ALPK1 (alpha kinase 1; plus strand). Cytogenetic location: 4q25.
Variant type: single nucleotide variant.
Coding change: c.266A>G on transcript NM_025144.4 (MANE Select); coding-DNA position 266, A replaced by G.
Protein change: p.Gln89Arg; replaces glutamine 89 with arginine.
Molecular consequence: missense variant. On other transcripts: intron variant (1).
Genome position (GRCh38, 1-based): chr4:112,382,542, A>G. VCF-style: chr4-112382542-A-G. GRCh37 (hg19) VCF-style: chr4-113303698-A-G.
Other names: c.266A>G, p.Gln89Arg (NM_001102406.2); c.42+4644A>G (NM_001253884.2); short protein forms Q89R.
Identifiers: ClinVar variation 3619955 (VCV003619955.2).

ClinVar aggregate classification (germline): Uncertain significance (1 of 4 stars; one submission).

gnomAD v4.1: 3 of 1,614,172 alleles (0.00019%); highest among the groups gnomAD compares: Non-Finnish European, 0.00025%; no homozygotes.

Submission:

Labcorp Genetics (formerly Invitae), Labcorp
Classification: Uncertain significance. Last evaluated: 2024-07-02. Review status: criteria provided, single submitter. Criteria: Invitae Variant Classification Sherloc (09022015). Collection method: clinical testing. Allele origin: germline.
Comment: This sequence change replaces glutamine, which is neutral and polar, with arginine, which is basic and polar, at codon 89 of the ALPK1 protein (p.Gln89Arg). This variant is not present in population databases (gnomAD no frequency). This variant has not been reported in the literature in individuals affected with ALPK1-related conditions. Advanced modeling of protein sequence and biophysical properties (such as structural, functional, and spatial information, amino acid conservation, physicochemical variation, residue mobility, and thermodynamic stability) performed at Invitae indicates that this missense variant is expected to disrupt ALPK1 protein function with a positive predictive value of 80%. In summary, the available evidence is currently insufficient to determine the role of this variant in disease. Therefore, it has been classified as a Variant of Uncertain Significance.